The following is an entry in ClinVar:

NM_001374736.1(DST):c.19175T>C (p.Ile6392Thr)

Gene: DST (dystonin; minus strand). Cytogenetic location: 6p12.1.
Variant type: single nucleotide variant.
Coding change: c.19175T>C on transcript NM_001374736.1 (MANE Select); coding-DNA position 19175, T replaced by C.
Protein change: p.Ile6392Thr; replaces isoleucine 6392 with threonine.
Molecular consequence: missense variant.
Genome position (GRCh38, 1-based): chr6:56,508,593, A>G on the plus strand (T>C on the coding strand, the complement: DST is on the minus strand). VCF-style: chr6-56508593-A-G. GRCh37 (hg19) VCF-style: chr6-56373391-A-G.
Other names: c.12818T>C, p.Ile4273Thr (NM_001144769.5); c.12404T>C, p.Ile4135Thr (NM_001144770.2); c.19175T>C, p.Ile6392Thr (NM_001374722.1); c.18215T>C, p.Ile6072Thr (NM_001374729.1); c.11957T>C, p.Ile3986Thr (NM_001374730.1); c.19202T>C, p.Ile6401Thr (NM_001374734.1); c.12284T>C, p.Ile4095Thr (NM_001386100.1, NM_183380.4); c.11306T>C, p.Ile3769Thr (NM_015548.5); short protein forms I3986T, I4273T, I6392T, I6401T, I3769T, I4135T, I6072T, I4095T.
Identifiers: ClinVar variation 1422217 (VCV001422217.6), dbSNP rs1328083810, ClinGen allele CA364523454.

ClinVar aggregate classification (germline): Uncertain significance (1 of 4 stars; one submission).

Conditions:
Epidermolysis bullosa simplex 3, localized or generalized intermediate, with BP230 deficiency (EBS3). Also called: Epidermolysis bullosa simplex due to BP230 deficiency; Epidermolysis bullosa simplex, autosomal recessive 2. Identifiers: Orphanet 412181, MedGen C3809470, MONDO:0014180, OMIM 615425.
Hereditary sensory and autonomic neuropathy type 6. Also called: Neuropathy, hereditary sensory and autonomic, type VI; HSAN VI. Identifiers: Orphanet 314381, MedGen C3539003, MONDO:0013839, OMIM 614653.

Allele frequency attached by ClinVar (database versions not stated): gnomAD exomes below 0.00001.

Submission:

Labcorp Genetics (formerly Invitae), Labcorp
Classification: Uncertain significance for Epidermolysis bullosa simplex 3, localized or generalized intermediate, with BP230 deficiency; Hereditary sensory and autonomic neuropathy type 6. Last evaluated: 2021-08-20. Review status: criteria provided, single submitter. Criteria: Invitae Variant Classification Sherloc (09022015). Collection method: clinical testing. Allele origin: germline.
Comment: This variant is not present in population databases (ExAC no frequency). This sequence change replaces isoleucine with threonine at codon 3769 of the DST protein (p.Ile3769Thr). The DST gene has multiple clinically relevant transcripts. This variant occurs in alternate transcript NM_015548.4, and corresponds to NM_001723.5:c.*106924T>C in the primary transcript. This variant has not been reported in the literature in individuals affected with DST-related conditions. Experimental studies and prediction algorithms are not available or were not evaluated, and the functional significance of this variant is currently unknown. In summary, the available evidence is currently insufficient to determine the role of this variant in disease. Therefore, it has been classified as a Variant of Uncertain Significance.